The following is an entry in ClinVar:

ClinVar aggregate classification (germline): Pathogenic. Review status: criteria provided, multiple submitters, no conflicts (2 of 4 stars). 2 submissions from 2 submitters: Pathogenic (2). Last evaluated 2022-01-06.

Conditions:
Retinitis pigmentosa 2 (RP2). Also called: Retinitis pigmentosa 2, X linked. Identifiers: Orphanet 791, MedGen C2681923, MONDO:0010723, OMIM 312600.

Submissions (2):

Labcorp Genetics (formerly Invitae), Labcorp
Classification: Pathogenic. Last evaluated: 2022-01-06. Review status: criteria provided, single submitter. Criteria: Invitae Variant Classification Sherloc (09022015). Collection method: clinical testing. Allele origin: germline.
Comment: This variant has not been reported in the literature in individuals affected with RP2-related conditions. For these reasons, this variant has been classified as Pathogenic. ClinVar contains an entry for this variant (Variation ID: 1213909). This variant is not present in population databases (gnomAD no frequency). This sequence change creates a premature translational stop signal (p.Phe157Serfs*18) in the RP2 gene. It is expected to result in an absent or disrupted protein product. Loss-of-function variants in RP2 are known to be pathogenic (PMID: 11992260, 20625056).

DBGen Ocular Genomics
Classification: Pathogenic for Retinitis pigmentosa 2. Last evaluated: 2021-06-22. Review status: criteria provided, single submitter. Criteria: ACMG Guidelines, 2015. Collection method: clinical testing. Allele origin: germline. Affected: yes. Observed: 1 variant allele.

Literature cited by the submitters: PubMed 11992260 (cited by Labcorp Genetics (formerly Invitae), Labcorp); PubMed 20625056 (cited by Labcorp Genetics (formerly Invitae), Labcorp).

NM_006915.3(RP2):c.465_468dup (p.Phe157fs)

Gene: RP2 (RP2 activator of ARL3 GTPase; plus strand). Cytogenetic location: Xp11.3.
Variant type: Duplication.
Coding change: c.465_468dup on transcript NM_006915.3 (MANE Select); coding-DNA positions 465 to 468, 4 bases duplicated (AGCT; older notation c.465_468dupAGCT).
Protein change: p.Phe157fs; shifts the reading frame from phenylalanine 157.
Molecular consequence: frameshift variant.
Genome position (GRCh38, 1-based): chrX:46,853,838-46,853,841, AGCT duplicated; duplicating any 4 consecutive bases within chrX:46,853,837-46,853,841 gives the same sequence; the c. name uses the placement nearest the transcript's 3' end. VCF-style (leftmost placement, unchanged base first): chrX-46853836-T-TTAGC. GRCh37 (hg19) VCF-style: chrX-46713271-T-TTAGC.
Other names: short protein forms F157fs.
Identifiers: ClinVar variation 1213909 (VCV001213909.7), dbSNP rs2147081378, ClinGen allele CA2499226731.
Genomic context (GRCh38, chrX:46,853,836, plus strand): 5'-CCCATCATTGAGTCTTCCTCAAATATCAAATTTGGATGTTTTCAATGGTACTATCCTGAA[T>TTAGC]TAGCTTTCCAGTTCAAAGATGCAGGGCTAAGTATCTTCAACAATACATGGAGTAACATTC-3'